The following is an entry in ClinVar:

NM_000051.4(ATM):c.6289G>C (p.Glu2097Gln)

Genes: ATM (ATM serine/threonine kinase; plus strand), C11orf65 (chromosome 11 open reading frame 65; minus strand). Cytogenetic location: 11q22.3.
Variant type: single nucleotide variant.
Coding change: c.6289G>C on transcript NM_000051.4 (MANE Select); coding-DNA position 6289, G replaced by C.
Protein change: p.Glu2097Gln; replaces glutamic acid 2097 with glutamine.
Molecular consequence: missense variant. On other transcripts: intron variant (2).
Genome position (GRCh38, 1-based): chr11:108,317,463, G>C. VCF-style: chr11-108317463-G-C. GRCh37 (hg19) VCF-style: chr11-108188190-G-C.
Other names: c.6289G>C, p.Glu2097Gln (NM_001351834.2); c.641-8392C>G (NM_001330368.2); c.*39-8392C>G (NM_001351110.2); short protein forms E2097Q.
Identifiers: ClinVar variation 918831 (VCV000918831.5), dbSNP rs1555114737, ClinGen allele CA382552043.

ClinVar aggregate classification (germline): Uncertain significance (1 of 4 stars; one submission).

Conditions:
Hereditary cancer-predisposing syndrome. Also called: Tumor predisposition; Neoplastic Syndromes, Hereditary; Hereditary neoplastic syndrome; Hereditary Cancer Syndrome. Identifiers: Orphanet 140162, MedGen C0027672, MeSH D009386, MONDO:0015356.

Submission:

Color Diagnostics, LLC DBA Color Health
Classification: Uncertain significance for Hereditary cancer-predisposing syndrome. Last evaluated: 2023-12-08. Review status: criteria provided, single submitter. Criteria: ACMG Guidelines, 2015. Collection method: clinical testing. Allele origin: germline.
Comment: This missense variant replaces glutamic acid with glutamine at codon 2097 of the ATM protein. Computational prediction suggests that this variant may not impact protein structure and function (internally defined REVEL score threshold <= 0.5, PMID: 27666373). To our knowledge, functional studies have not been reported for this variant. This variant has not been reported in individuals affected with ATM-related disorders in the literature. This variant has not been identified in the general population by the Genome Aggregation Database (gnomAD). The available evidence is insufficient to determine the role of this variant in disease conclusively. Therefore, this variant is classified as a Variant of Uncertain Significance.